The following is an entry in ClinVar:

ClinVar aggregate classification (germline): Uncertain significance (1 of 4 stars; one submission).

Conditions:
Hereditary cancer-predisposing syndrome. Also called: Neoplastic Syndromes, Hereditary; Tumor predisposition; Hereditary neoplastic syndrome; Hereditary Cancer Syndrome. Identifiers: Orphanet 140162, MedGen C0027672, MeSH D009386, MONDO:0015356.

Submission:

Ambry Genetics
Classification: Uncertain significance for Hereditary cancer-predisposing syndrome. Last evaluated: 2026-07-07. Review status: criteria provided, single submitter. Criteria: Ambry Variant Classification Scheme 2023. Collection method: clinical testing. Allele origin: germline.
Comment: The p.E213D variant (also known as c.639G>C), located in coding exon 3 of the TMEM127 gene, results from a G to C substitution at nucleotide position 639. The glutamic acid at codon 213 is replaced by aspartic acid, an amino acid with highly similar properties. This amino acid position is conserved. In addition, the in silico prediction for this alteration is inconclusive. Based on the available evidence, the clinical significance of this variant remains unclear.

NM_017849.4(TMEM127):c.639G>C (p.Glu213Asp)

Gene: TMEM127 (transmembrane protein 127; minus strand). Cytogenetic location: 2q11.2.
Variant type: single nucleotide variant.
Coding change: c.639G>C on transcript NM_017849.4 (MANE Select); coding-DNA position 639, G replaced by C.
Protein change: p.Glu213Asp; replaces glutamic acid 213 with aspartic acid.
Molecular consequence: missense variant.
Genome position (GRCh38, 1-based): chr2:96,253,886, C>G on the plus strand (G>C on the coding strand, the complement: TMEM127 is on the minus strand). VCF-style: chr2-96253886-C-G. GRCh37 (hg19) VCF-style: chr2-96919624-C-G.
Other names: c.639G>C, p.Glu213Asp (NM_001193304.3); c.387G>C, p.Glu129Asp (NM_001407282.1, NM_001407283.1); short protein forms E129D, E213D.
Identifiers: ClinVar variation 5030915 (VCV005030915.1).